The following is an entry in ClinVar:

ClinVar aggregate classification (germline): Pathogenic (1 of 4 stars; one submission).

Conditions:
Fanconi anemia (FA). Also called: Fanconi's anemia. Identifiers: Orphanet 84, MedGen C0015625, MeSH D005199, MONDO:0019391.

Submission:

Labcorp Genetics (formerly Invitae), Labcorp
Classification: Pathogenic for Fanconi anemia. Last evaluated: 2023-10-04. Review status: criteria provided, single submitter. Criteria: Invitae Variant Classification Sherloc (09022015). Collection method: clinical testing. Allele origin: germline.
Comment: This sequence change creates a premature translational stop signal (p.Leu131Phefs*26) in the FANCG gene. It is expected to result in an absent or disrupted protein product. Loss-of-function variants in FANCG are known to be pathogenic (PMID: 12552564). This variant is present in population databases (no rsID available, gnomAD 0.02%). This variant has not been reported in the literature in individuals affected with FANCG-related conditions. For these reasons, this variant has been classified as Pathogenic.

Literature cited by the submitters: PubMed 12552564.

NM_004629.2(FANCG):c.380_386dup (p.Leu131fs)

Gene: FANCG (FA complementation group G; minus strand). Cytogenetic location: 9p13.3.
Variant type: Duplication.
Coding change: c.380_386dup on transcript NM_004629.2 (MANE Select); coding-DNA positions 380 to 386, 7 bases duplicated (GTGCTTC; older notation c.380_386dupGTGCTTC).
Protein change: p.Leu131fs; shifts the reading frame from leucine 131.
Molecular consequence: frameshift variant.
Genome position (GRCh38, 1-based): chr9:35,078,265-35,078,271, GAAGCAC duplicated on the plus strand (GTGCTTC on the coding strand, the reverse complement: FANCG is on the minus strand); duplicating any 7 consecutive bases within chr9:35,078,265-35,078,275 gives the same sequence; the c. name uses the placement nearest the transcript's 3' end. VCF-style (leftmost placement, unchanged base first): chr9-35078264-G-GGAAGCAC. GRCh37 (hg19) VCF-style: chr9-35078261-G-GGAAGCAC.
Other names: short protein forms L131fs.
Identifiers: ClinVar variation 2737529 (VCV002737529.3), dbSNP rs1396898872, ClinGen allele CA587568860.
Genomic context (GRCh38, chr9:35,078,264, plus strand): 5'-GAGGGCAGCCTGCAGGCCAACCAGGCGGTGCAGGGCAGACAGCAGCTCCGGCAGAAGGCA[G>GGAAGCAC]GAAGCACGAAGGACAGAGTCCCACAGCTCCCTGAGCCCCTGTTCCAACCTGGGCCCCTGC-3'